The following is an entry in ClinVar:

NM_000038.6(APC):c.3746dup (p.Cys1249fs)

Gene: APC (APC regulator of Wnt signaling pathway; plus strand). Cytogenetic location: 5q22.2.
Variant type: Duplication.
Coding change: c.3746dup on transcript NM_000038.6 (MANE Select); coding-DNA position 3746, one base duplicated (G; older notation c.3746dupG).
Protein change: p.Cys1249fs; shifts the reading frame from cysteine 1249.
Molecular consequence: frameshift variant.
Genome position (GRCh38, 1-based): chr5:112,839,340, G duplicated. VCF-style (leftmost placement, unchanged base first): chr5-112839339-T-TG. GRCh37 (hg19) VCF-style: chr5-112175036-T-TG.
Other names: c.3746dup, p.Cys1249fs (NM_001127510.3, NM_001354895.2); c.3692dup, p.Cys1231fs (NM_001127511.3); c.3800dup, p.Cys1267fs (NM_001354896.2); c.3776dup, p.Cys1259fs (NM_001354897.2); c.3671dup, p.Cys1224fs (NM_001354898.2); c.3662dup, p.Cys1221fs (NM_001354899.2); c.3623dup, p.Cys1208fs (NM_001354900.2); c.3569dup, p.Cys1190fs (NM_001354901.2); and 16 more; short protein forms C1089fs, C1190fs, C1259fs, C1158fs, C1224fs, C1231fs, C1249fs, C966fs.
Identifiers: ClinVar variation 1734508 (VCV001734508.2), dbSNP rs2533521199, ClinGen allele CA645543597.

ClinVar aggregate classification (germline): Pathogenic (1 of 4 stars; one submission).

Conditions:
Hereditary cancer-predisposing syndrome. Also called: Neoplastic Syndromes, Hereditary; Tumor predisposition; Hereditary Cancer Syndrome; Hereditary neoplastic syndrome. Identifiers: Orphanet 140162, MedGen C0027672, MeSH D009386, MONDO:0015356.

Submission:

Ambry Genetics
Classification: Pathogenic for Hereditary cancer-predisposing syndrome. Last evaluated: 2015-09-16. Review status: criteria provided, single submitter. Criteria: Ambry Variant Classification Scheme 2023. Collection method: clinical testing. Allele origin: germline.
Comment: The c.3746dupG pathogenic mutation, located in coding exon 15 of the APC gene, results from a duplication of G at nucleotide position 3746, causing a translational frameshift with a predicted alternate stop codon. Since frameshifts are typically deleterious in nature, this alteration is interpreted as a disease-causing mutation (ACMG Recommendations for Standards for Interpretation and Reporting of Sequence Variations. Revision 2007. Genet Med. 2008;10:294).